The following is an entry in ClinVar:

ClinVar aggregate classification (germline): Likely pathogenic (1 of 4 stars; one submission).

Allele frequency attached by ClinVar (database versions not stated): gnomAD exomes below 0.00001; TOPMed below 0.00001.
gnomAD v4.1: 2 of 1,607,056 alleles (0.00012%); highest among the groups gnomAD compares: South Asian, 0.0022%; no homozygotes.

Submissions (2):

Labcorp Genetics (formerly Invitae), Labcorp
Classification: Likely pathogenic. Last evaluated: 2022-10-26. Review status: criteria provided, single submitter. Criteria: Invitae Variant Classification Sherloc (09022015). Collection method: clinical testing. Allele origin: germline.
Comment: This sequence change affects a donor splice site in intron 16 of the COL4A1 gene. It is expected to disrupt RNA splicing. Variants that disrupt the donor or acceptor splice site typically lead to a loss of protein function (PMID: 16199547), and loss-of-function variants in COL4A1 are known to be pathogenic (PMID: 23225343). This variant is present in population databases (no rsID available, gnomAD 0.003%). This variant has not been reported in the literature in individuals affected with COL4A1-related conditions. Algorithms developed to predict the effect of sequence changes on RNA splicing suggest that this variant may disrupt the consensus splice site. In summary, the currently available evidence indicates that the variant is pathogenic, but additional data are needed to prove that conclusively. Therefore, this variant has been classified as Likely Pathogenic.

Dr. Peter K. Rogan Lab, Western University
No classification provided (evidence only). Condition: Sarcoma. Review status: no classification provided. Collection method: in vitro. Allele origin: not applicable. Functional consequence: skipped exon, retained intron. Not counted in ClinVar's aggregate classification.

Literature cited by the submitters: PubMed 16199547 (cited by Labcorp Genetics (formerly Invitae), Labcorp); PubMed 23225343 (cited by Labcorp Genetics (formerly Invitae), Labcorp).

NM_001845.6(COL4A1):c.903+1G>A

Gene: COL4A1 (collagen type IV alpha 1 chain; minus strand). Cytogenetic location: 13q34.
Variant type: single nucleotide variant.
Coding change: c.903+1G>A on transcript NM_001845.6 (MANE Select); the canonical splice donor site of the intron after coding-DNA position 903, G replaced by A.
Molecular consequence: splice donor variant.
Genome position (GRCh38, 1-based): chr13:110,205,493, C>T on the plus strand (G>A on the coding strand, the complement: COL4A1 is on the minus strand). VCF-style: chr13-110205493-C-T. GRCh37 (hg19) VCF-style: chr13-110857840-C-T.
Other names: c.903+1G>A (NM_001303110.2).
Identifiers: ClinVar variation 2092895 (VCV002092895.5), dbSNP rs1363290269, ClinGen allele CA388724721.